The following is an entry in ClinVar:

ClinVar aggregate classification (germline): Likely benign. Review status: criteria provided, multiple submitters, no conflicts (2 of 4 stars). 2 submissions from 2 submitters: Likely benign (2). Last evaluated 2025-11-03.

gnomAD v4.1: 3 of 1,613,758 alleles (0.00019%); highest among the groups gnomAD compares: Non-Finnish European, 0.00025%; no homozygotes.

Submissions (2):

Labcorp Genetics (formerly Invitae), Labcorp
Classification: Likely benign. Last evaluated: 2025-11-03. Review status: criteria provided, single submitter. Criteria: Invitae Variant Classification Sherloc (09022015). Collection method: clinical testing. Allele origin: germline.

CeGaT Center for Human Genetics Tuebingen
Classification: Likely benign. Last evaluated: 2024-11-01. Review status: criteria provided, single submitter. Criteria: CeGaT Center For Human Genetics Tuebingen Variant Classification Criteria Version 2. Collection method: clinical testing. Allele origin: germline. Affected: yes. Observed: 1 variant allele.
Comment: AP3B2: BP4, BP7

NM_001278512.2(AP3B2):c.1173G>A (p.Lys391=)

Genes: AP3B2 (adaptor related protein complex 3 subunit beta 2; minus strand), CPEB1-AS1 (CPEB1 antisense RNA 1; plus strand). Cytogenetic location: 15q25.2.
Variant type: single nucleotide variant.
Coding change: c.1173G>A on transcript NM_001278512.2 (MANE Select); coding-DNA position 1173, G replaced by A.
Protein change: p.Lys391=; no amino-acid change (lysine 391 retained).
Molecular consequence: synonymous variant.
Genome position (GRCh38, 1-based): chr15:82,679,738, C>T on the plus strand (G>A on the coding strand, the complement: AP3B2 is on the minus strand). VCF-style: chr15-82679738-C-T. GRCh37 (hg19) VCF-style: chr15-83348490-C-T.
Other names: c.1077G>A, p.Lys359= (NM_001278511.2); c.1173G>A, p.Lys391= (NM_004644.5).
Identifiers: ClinVar variation 3389353 (VCV003389353.15).